The following is an entry in ClinVar:

NM_001367624.2(ZNF469):c.7267C>A (p.Pro2423Thr)

Gene: ZNF469 (zinc finger protein 469; plus strand). Cytogenetic location: 16q24.2.
Variant type: single nucleotide variant.
Coding change: c.7267C>A on transcript NM_001367624.2 (MANE Select); coding-DNA position 7267, C replaced by A.
Protein change: p.Pro2423Thr; replaces proline 2423 with threonine.
Molecular consequence: missense variant.
Genome position (GRCh38, 1-based): chr16:88,434,737, C>A. VCF-style: chr16-88434737-C-A. GRCh37 (hg19) VCF-style: chr16-88501145-C-A.
Other names: NM_001127464.1:c.7183C>A; NM_001127464.2:c.7183C>A; p.Pro2423Thr; short protein forms P2423T.
Identifiers: ClinVar variation 281671 (VCV000281671.65), dbSNP rs199727372, ClinGen allele CA8225228.
Genomic context (GRCh38, chr16:88,434,737, plus strand): 5'-CTGGGCTTGGGAAGAACCACAGCCCCAAGCAGCACAGCCAGTGACTTCCAGTCTGACTCC[C>A]CCCAAAGCCACAGAAATGCCTCCCACCAGACTCCCCAGGGGGACCCCCTCGGCCCCCAAG-3'
Protein context (NP_001354553.1, residues 2413-2433): STASDFQSDS[Pro2423Thr]QSHRNASHQT

ClinVar aggregate classification (germline): Conflicting classifications of pathogenicity. Review status: criteria provided, conflicting classifications (1 of 4 stars). 11 submissions from 11 submitters: Uncertain significance (1); Benign (3); Likely benign (5). 2 of the submissions do not count toward it. Last evaluated 2026-08-01.

Conditions:
Cardiovascular phenotype. Identifiers: MedGen CN230736.
Ehlers-Danlos syndrome (EDS). Identifiers: Orphanet 98249, MedGen C0013720, MONDO:0020066.

Allele frequency attached by ClinVar (database versions not stated): 1000 Genomes Project 0.00160; gnomAD 0.00214 and 0.00222; 1000 Genomes Project 30x 0.00219; ExAC 0.00230; TOPMed 0.00271.
gnomAD v4.1: 1,797 of 1,550,416 alleles (0.12%); highest among the groups gnomAD compares: Middle Eastern, 0.82%; 8 homozygotes.

Submissions (11):

CeGaT Center for Human Genetics Tuebingen
Classification: Likely benign. Last evaluated: 2026-08-01. Review status: criteria provided, single submitter. Criteria: CeGaT Center For Human Genetics Tuebingen Variant Classification Criteria Version 2. Collection method: clinical testing. Allele origin: germline. Affected: yes. Observed: 6 variant alleles.
Comment: ZNF469: BP4, BS2

Women's Health and Genetics/Laboratory Corporation of America, LabCorp
Classification: Likely benign. Last evaluated: 2026-04-08. Review status: criteria provided, single submitter. Criteria: LabCorp Variant Classification Summary - May 2015. Collection method: clinical testing. Allele origin: germline.
Comment: Variant summary: ZNF469 c.7267C>A (p.Pro2423Thr) results in a non-conservative amino acid change in the encoded protein sequence. Algorithms developed to predict the effect of missense changes on protein structure and function are either unavailable or do not agree on the potential impact of this missense change. The variant allele was found at a frequency of 0.002 in 153784 control chromosomes, predominantly at a frequency of 0.011 within the Ashkenazi Jewish subpopulation in the gnomAD database, including 1 homozygote. The observed variant frequency within Ashkenazi Jewish control individuals in the gnomAD database exceeds the estimated maximal expected allele frequency for disease-causing variants in ZNF469. c.7267C>A has been observed in individuals affected with Brittle cornea syndrome/keratoconus, without strong evidence for causality (e.g. Lucas_2017, Lombardo_2024). These reports do not provide unequivocal conclusions about association of the variant with Brittle cornea syndrome 1. To our knowledge, no experimental evidence demonstrating an impact on protein function has been reported. The following publications have been ascertained in the context of this evaluation (PMID: 38684849, 29228253). ClinVar contains an entry for this variant (Variation ID: 281671). Based on the evidence outlined above, the variant was classified as likely benign.

Labcorp Genetics (formerly Invitae), Labcorp
Classification: Likely benign. Last evaluated: 2026-02-04. Review status: criteria provided, single submitter. Criteria: Invitae Variant Classification Sherloc (09022015). Collection method: clinical testing. Allele origin: germline.

Blueprint Genetics
Classification: Likely benign. Last evaluated: 2024-11-25. Review status: criteria provided, single submitter. Criteria: ACMG Guidelines, 2015. Collection method: clinical testing. Allele origin: germline.

Mayo Clinic Laboratories, Mayo Clinic
Classification: Benign. Last evaluated: 2023-01-31. Review status: criteria provided, single submitter. Criteria: ACMG Guidelines, 2015. Collection method: clinical testing. Allele origin: germline. Observed: 10 variant alleles.
Comment: BS1, BS2, BP4

Genome Diagnostics Laboratory, The Hospital for Sick Children
Classification: Likely benign for Ehlers-Danlos syndrome. Last evaluated: 2022-07-15. Review status: criteria provided, single submitter. Criteria: ACMG Guidelines, 2015. Collection method: clinical testing. Allele origin: germline.

GeneDx
Classification: Benign. Last evaluated: 2020-08-04. Review status: criteria provided, single submitter. Criteria: GeneDx Variant Classification Process June 2021. Collection method: clinical testing. Allele origin: germline. Affected: yes.
Comment: This variant is associated with the following publications: (PMID: 29228253)

Ambry Genetics
Classification: Benign for Cardiovascular phenotype. Last evaluated: 2019-11-19. Review status: criteria provided, single submitter. Criteria: Ambry Variant Classification Scheme 2023. Collection method: clinical testing. Allele origin: germline.

Eurofins Ntd Llc (ga)
Classification: Uncertain significance. Last evaluated: 2015-07-09. Review status: criteria provided, single submitter. Criteria: EGL Classification Definitions 2015. Collection method: clinical testing. Allele origin: germline. Observed: 1 variant allele, 1 heterozygote.

Clinical Genetics DNA and cytogenetics Diagnostics Lab, Erasmus MC, Erasmus Medical Center
Classification: Likely benign. Review status: no assertion criteria provided. Collection method: clinical testing. Allele origin: germline. Affected: yes. Study: VKGL Data-share Consensus. Not counted in ClinVar's aggregate classification.

Genome Diagnostics Laboratory, Amsterdam University Medical Center
Classification: Likely benign. Review status: no assertion criteria provided. Collection method: clinical testing. Allele origin: germline. Affected: yes. Study: VKGL Data-share Consensus. Not counted in ClinVar's aggregate classification.

Literature cited by the submitters: PubMed 29228253 (cited by Women's Health and Genetics/Laboratory Corporation of America, LabCorp and Mayo Clinic Laboratories, Mayo Clinic); PubMed 38684849 (cited by Women's Health and Genetics/Laboratory Corporation of America, LabCorp).